The following is an entry in ClinVar:

ClinVar aggregate classification (germline): Uncertain significance (1 of 4 stars; one submission).

Submission:

Women's Health and Genetics/Laboratory Corporation of America, LabCorp
Classification: Uncertain significance. Last evaluated: 2022-04-22. Review status: criteria provided, single submitter. Criteria: LabCorp Variant Classification Summary - May 2015. Collection method: clinical testing. Allele origin: germline.
Comment: Variant summary: DDX58 c.1936T>A (p.Trp646Arg) results in a non-conservative amino acid change located in the Helicase, C-terminal domain of the encoded protein sequence. Four of five in-silico tools predict a damaging effect of the variant on protein function. The variant was absent in 245998 control chromosomes. The available data on variant occurrences in the general population are insufficient to allow any conclusion about variant significance. To our knowledge, no occurrence of c.1936T>A in individuals affected with Singleton-Merten Syndrome 2 and no experimental evidence demonstrating its impact on protein function have been reported. No clinical diagnostic laboratories have submitted clinical-significance assessments for this variant to ClinVar after 2014. Based on the evidence outlined above, the variant was classified as uncertain significance.

NM_014314.4(RIGI):c.1936T>A (p.Trp646Arg)

Gene: RIGI (RNA sensor RIG-I; minus strand). Cytogenetic location: 9p21.1.
Variant type: single nucleotide variant.
Coding change: c.1936T>A on transcript NM_014314.4 (MANE Select); coding-DNA position 1936, T replaced by A.
Protein change: p.Trp646Arg; replaces tryptophan 646 with arginine.
Molecular consequence: missense variant.
Genome position (GRCh38, 1-based): chr9:32,473,053, A>T on the plus strand (T>A on the coding strand, the complement: RIGI is on the minus strand). VCF-style: chr9-32473053-A-T. GRCh37 (hg19) VCF-style: chr9-32473051-A-T.
Other names: c.1930T>A, p.Trp644Arg (NM_001385907.1); c.1936T>A, p.Trp646Arg (NM_001385909.1); c.1495T>A, p.Trp499Arg (NM_001385910.1); c.1327T>A, p.Trp443Arg (NM_001385912.1); c.1921T>A, p.Trp641Arg (NM_001385913.1); c.1492T>A, p.Trp498Arg (NM_001385914.1); short protein forms W443R, W498R, W499R, W641R, W644R, W646R.
Identifiers: ClinVar variation 1683340 (VCV001683340.2), dbSNP rs2118720949, ClinGen allele CA373147903.